The following is an entry in ClinVar:

ClinVar aggregate classification (germline): Likely pathogenic (1 of 4 stars; one submission).

Conditions:
MEGF10-related myopathy (CMYO10A). Also called: Congenital myopathy 10A, severe variant. Identifiers: Orphanet 439212, MedGen C3280679, MONDO:0013731, OMIM 614399.

Allele frequency attached by ClinVar (database versions not stated): gnomAD exomes 0.00001.
gnomAD v4.1: 19 of 1,611,894 alleles (0.0012%); highest among the groups gnomAD compares: Non-Finnish European, 0.0016%; no homozygotes.

Submission:

Labcorp Genetics (formerly Invitae), Labcorp
Classification: Likely pathogenic for MEGF10-related myopathy. Last evaluated: 2022-06-25. Review status: criteria provided, single submitter. Criteria: Invitae Variant Classification Sherloc (09022015). Collection method: clinical testing. Allele origin: germline.
Comment: This sequence change affects a donor splice site in intron 6 of the MEGF10 gene. It is expected to disrupt RNA splicing. Variants that disrupt the donor or acceptor splice site typically lead to a loss of protein function (PMID: 16199547), and loss-of-function variants in MEGF10 are known to be pathogenic (PMID: 22101682, 22371254, 23453856, 23954233). In summary, the currently available evidence indicates that the variant is pathogenic, but additional data are needed to prove that conclusively. Therefore, this variant has been classified as Likely Pathogenic. Algorithms developed to predict the effect of sequence changes on RNA splicing suggest that this variant may disrupt the consensus splice site. ClinVar contains an entry for this variant (Variation ID: 581419). This variant has not been reported in the literature in individuals affected with MEGF10-related conditions. This variant is not present in population databases (gnomAD no frequency).

Literature cited by the submitters: PubMed 16199547; PubMed 22101682; PubMed 22371254; PubMed 23453856; PubMed 23954233.

NM_001256545.2(MEGF10):c.412+2T>C

Gene: MEGF10 (multiple EGF like domains 10; plus strand). Cytogenetic location: 5q23.2.
Variant type: single nucleotide variant.
Coding change: c.412+2T>C on transcript NM_001256545.2 (MANE Select); the canonical splice donor site of the intron after coding-DNA position 412, T replaced by C.
Molecular consequence: splice donor variant.
Genome position (GRCh38, 1-based): chr5:127,370,004, T>C. VCF-style: chr5-127370004-T-C. GRCh37 (hg19) VCF-style: chr5-126705696-T-C.
Other names: c.412+2T>C (NM_032446.3, NM_001308119.2, NM_001308121.2).
Identifiers: ClinVar variation 581419 (VCV000581419.9), dbSNP rs1561599823, ClinGen allele CA360825235.
Genomic context (GRCh38, chr5:127,370,004, plus strand): 5'-TATTGCTCCAAACACCTGTCAGTGTGAGCCTGGCTGGGGAGGGACCAACTGCTCCAGTGG[T>C]AAGTTTCCACCTGCTGTTGTCTGTCTCGGGATGTTTTTGCTGTAAGGCCCTCCTTGTCTG-3'